The following is an entry in ClinVar:

ClinVar aggregate classification (germline): Uncertain significance. Review status: criteria provided, multiple submitters, no conflicts (2 of 4 stars). 2 submissions from 2 submitters: Uncertain significance (2). Last evaluated 2025-12-31.

Conditions:
Congenital disorder of glycosylation, type Iaa. Also called: Congenital disorder of glycosylation, type 1aa. Identifiers: MedGen C4310727, MONDO:0014904, OMIM 617082.

Allele frequency attached by ClinVar (database versions not stated): gnomAD exomes 0.00001 and 0.00003; TOPMed 0.00002; ExAC 0.00001; gnomAD 0.00002 and 0.00001.
gnomAD v4.1: 49 of 1,598,742 alleles (0.0031%); highest among the groups gnomAD compares: African/African-American, 0.0081%; no homozygotes.

Submissions (2):

Labcorp Genetics (formerly Invitae), Labcorp
Classification: Uncertain significance for Congenital disorder of glycosylation, type Iaa. Last evaluated: 2025-12-31. Review status: criteria provided, single submitter. Criteria: Invitae Variant Classification Sherloc (09022015). Collection method: clinical testing. Allele origin: germline.
Comment: This sequence change replaces threonine, which is neutral and polar, with methionine, which is neutral and non-polar, at codon 225 of the NUS1 protein (p.Thr225Met). This variant is present in population databases (rs760187558, gnomAD 0.008%). This missense change has been observed in individual(s) with clinical features of NUS1-related conditions (internal data). ClinVar contains an entry for this variant (Variation ID: 1391842). An algorithm developed to predict the effect of missense changes on protein structure and function outputs the following: PolyPhen-2: "Benign". The methionine amino acid residue is found in multiple mammalian species, which suggests that this missense change does not adversely affect protein function. In summary, the available evidence is currently insufficient to determine the role of this variant in disease. Therefore, it has been classified as a Variant of Uncertain Significance.

Women's Health and Genetics/Laboratory Corporation of America, LabCorp
Classification: Uncertain significance. Last evaluated: 2025-12-09. Review status: criteria provided, single submitter. Criteria: LabCorp Variant Classification Summary - May 2015. Collection method: clinical testing. Allele origin: germline.
Comment: Variant summary: NUS1 c.674C>T (p.Thr225Met) results in a non-conservative amino acid change in the encoded protein sequence. Algorithms developed to predict the effect of missense changes on protein structure and function are either unavailable or do not agree on the potential impact of this missense change. The variant allele was found at a frequency of 1.2e-05 in 243842 control chromosomes. The available data on variant occurrences in the general population are insufficient to allow any conclusion about variant significance. To our knowledge, no occurrence of c.674C>T in individuals affected with NUS1-related conditions and no experimental evidence demonstrating its impact on protein function have been reported. ClinVar contains an entry for this variant (Variation ID: 1391842). Based on the evidence outlined above, the variant was classified as uncertain significance.

NM_138459.5(NUS1):c.674C>T (p.Thr225Met)

Gene: NUS1 (NUS1 dehydrodolichyl diphosphate synthase subunit; plus strand). Cytogenetic location: 6q22.1.
Variant type: single nucleotide variant.
Coding change: c.674C>T on transcript NM_138459.5 (MANE Select); coding-DNA position 674, C replaced by T.
Protein change: p.Thr225Met; replaces threonine 225 with methionine.
Molecular consequence: missense variant.
Genome position (GRCh38, 1-based): chr6:117,694,163, C>T. VCF-style: chr6-117694163-C-T. GRCh37 (hg19) VCF-style: chr6-118015326-C-T.
Other names: short protein forms T225M.
Identifiers: ClinVar variation 1391842 (VCV001391842.7), dbSNP rs760187558, ClinGen allele CA3977161.
Genomic context (GRCh38, chr6:117,694,163, plus strand): 5'-AGGACTTTTGCCAGTTAGTAGCCCAGAAGCAAAAGAGACCCACAGATTTGGATGTAGATA[C>T]GTTAGCCAGTTTACTTAGTAAGTTTTTTTATATATATATACATATATATGTATATGTATG-3'
Protein context (NP_612468.1, residues 215-235): QKRPTDLDVD[Thr225Met]LASLLSSNGC